The following is an entry in ClinVar:

ClinVar aggregate classification (germline): Uncertain significance. Review status: criteria provided, multiple submitters, no conflicts (2 of 4 stars). 3 submissions from 3 submitters: Uncertain significance (2). 1 of the submissions does not count toward it. Last evaluated 2024-12-09.

Conditions:
Charcot-Marie-Tooth disease type 4. Also called: Charcot-Marie-Tooth disease, type IV; Charcot-Marie-Tooth, Type 4. Identifiers: Orphanet 64749, MedGen C4082197, MONDO:0018995.
Tip-toe gait. Also called: Toe walking. Identifiers: MedGen C0427144, HP:0030051.

Allele frequency attached by ClinVar (database versions not stated): gnomAD exomes 0.00002 and 0.00004; ExAC 0.00002; gnomAD 0.00002; TOPMed 0.00003.
gnomAD v4.1: 57 of 1,613,984 alleles (0.0035%); highest among the groups gnomAD compares: Middle Eastern, 0.016%; no homozygotes.

Submissions (3):

Labcorp Genetics (formerly Invitae), Labcorp
Classification: Uncertain significance for Charcot-Marie-Tooth disease type 4. Last evaluated: 2024-12-09. Review status: criteria provided, single submitter. Criteria: Invitae Variant Classification Sherloc (09022015). Collection method: clinical testing. Allele origin: germline.
Comment: This sequence change replaces glycine, which is neutral and non-polar, with glutamic acid, which is acidic and polar, at codon 1465 of the SBF2 protein (p.Gly1465Glu). This variant is present in population databases (rs762165359, gnomAD 0.01%). This variant has not been reported in the literature in individuals affected with SBF2-related conditions. ClinVar contains an entry for this variant (Variation ID: 403861). Invitae Evidence Modeling of protein sequence and biophysical properties (such as structural, functional, and spatial information, amino acid conservation, physicochemical variation, residue mobility, and thermodynamic stability) has been performed for this missense variant. However, the output from this modeling did not meet the statistical confidence thresholds required to predict the impact of this variant on SBF2 protein function. In summary, the available evidence is currently insufficient to determine the role of this variant in disease. Therefore, it has been classified as a Variant of Uncertain Significance.

Athena Diagnostics
Classification: Uncertain significance. Last evaluated: 2024-10-29. Review status: criteria provided, single submitter. Criteria: Athena Diagnostics Criteria. Collection method: clinical testing. Allele origin: unknown.

Practice for Gait Abnormalities, David Pomarino, Competency Network Toe Walking C/o Practice Pomarino
Classification: Likely pathogenic for Tip-toe gait. Review status: no assertion criteria provided. Collection method: clinical testing. Allele origin: germline. Affected: yes. Not counted in ClinVar's aggregate classification.
Comment: Hereditary motor sensory neuropathy (HMSN), also known as Charcot-Marie-Tooth Disease (CMT), is the most commonly inherited peripheral polyneuropathy. It constitutes a group of inherited, progressive, motor and sensory peripheral nerve disorders with properties of demyelination, axonal degeneration, or both. It is classified by clinical characteristics, modes of inheritance, electrophysiologic features, metabolic defects, and specific gene markers. Our patients all walk on tiptoe, so they show similar symptoms. When we genetically test them with our toe walking panel, we find that around 90 per cent of them have a genetic variant that explains their toe walking. These can be assigned, for example, to the area of myopathies (such as variants of the COL6A3 gene), the area of hereditary neuropathies (such as variants of the KMT2C gene) or the area of metabolic diseases (such as variants of the PYGM gene). In a smaller group of patients with almost identical symptoms, no abnormality is found in the genes of our panel, but spastic paraplegia can be detected. In another small group of our toe walkers, no abnormalities can be detected in the genes analysed in our toe walking panel, nor do they suffer from spastic paraplegia, as is also the case with healthy children. In contrast to these, however, they show a tiptoe gait. These patients suffer from infantile cerebral palsy, in which toe walking can also be observed.

Literature cited by the submitters: PubMed 37091313 (cited by Practice for Gait Abnormalities, David Pomarino, Competency Network Toe Walking C/o Practice Pomarino).

NM_030962.4(SBF2):c.4394G>A (p.Gly1465Glu)

Genes: SBF2 (SET binding factor 2; minus strand), SBF2-AS1 (SBF2 antisense RNA 1; plus strand). Cytogenetic location: 11p15.4.
Variant type: single nucleotide variant.
Coding change: c.4394G>A on transcript NM_030962.4 (MANE Select); coding-DNA position 4394, G replaced by A.
Protein change: p.Gly1465Glu; replaces glycine 1465 with glutamic acid.
Molecular consequence: missense variant. On other transcripts: non-coding transcript variant (1).
Genome position (GRCh38, 1-based): chr11:9,808,049, C>T on the plus strand (G>A on the coding strand, the complement: SBF2 is on the minus strand). VCF-style: chr11-9808049-C-T. GRCh37 (hg19) VCF-style: chr11-9829596-C-T.
Other names: c.4490G>A, p.Gly1497Glu (NM_001386339.1); c.4265G>A, p.Gly1422Glu (NM_001386342.1); short protein forms G1465E, G1422E, G1497E.
Identifiers: ClinVar variation 403861 (VCV000403861.12), dbSNP rs762165359, ClinGen allele CA5880990.
Genomic context (GRCh38, chr11:9,808,049, plus strand): 5'-GCTCTACTTACCTGGTGTACACAGTCTAAGAACTGTAAGAAGACTGGAGCAAAACCACTC[C>T]CCTGACAGTTGAGGGTCAAGCTGCTCCTCTGACTGAATTTGTGACCAAAAGAGAGCCACT-3'
Protein context (NP_112224.1, residues 1455-1475): QRSSLTLNCQ[Gly1465Glu]SGFAPVFLQF